The following is an entry in ClinVar:

NC_000010.10:g.(?_112540539)_(112837073_?)del

Genes: ADRA2A (adrenoceptor alpha 2A; plus strand), BBIP1 (BBSome interacting protein 1; minus strand), PDCD4 (programmed cell death 4; plus strand), RBM20 (RNA binding motif protein 20; plus strand), SHOC2 (SHOC2 leucine rich repeat scaffold protein; plus strand). Cytogenetic location: 10q25.2.
Variant type: Deletion.
Identifiers: ClinVar variation 3244919 (VCV003244919.1).

ClinVar aggregate classification (germline): Uncertain significance (1 of 4 stars; one submission).

Conditions:
RASopathy. Also called: Noonan spectrum disorder; rasopathies. Identifiers: Orphanet 536391, MedGen C5555857, MONDO:0021060.

Submission:

Labcorp Genetics (formerly Invitae), Labcorp
Classification: Uncertain significance for RASopathy. Last evaluated: 2023-09-24. Review status: criteria provided, single submitter. Criteria: Invitae Variant Classification Sherloc (09022015). Collection method: clinical testing. Allele origin: unknown.
Comment: Isolated whole-gene deletions of SHOC2 have not been reported in the literature. However, larger copy number events that include this gene have been reported (PMID: 24739123). In summary, the available evidence is currently insufficient to determine the role of this variant in disease. Therefore, it has been classified as a Variant of Uncertain Significance. A gross deletion of the genomic region encompassing the full coding sequence of the SHOC2 gene has been identified. The current clinical and genetic evidence is not sufficient to establish whether loss-of-function variants in SHOC2 cause disease. The boundaries of this event are unknown as they extend beyond the assayed region for this gene and therefore may encompass additional genes.

Literature cited by the submitters: PubMed 24739123.